The following is an entry in ClinVar:

ClinVar aggregate classification (germline): Uncertain significance (1 of 4 stars; one submission).

Allele frequency attached by ClinVar (database versions not stated): gnomAD 0.00017; gnomAD exomes 0.00019; ExAC 0.00024; ESP Exome Variant Server 0.00031.
gnomAD v4.1: 299 of 1,607,554 alleles (0.019%); highest among the groups gnomAD compares: Admixed American, 0.032%; 1 homozygote.

Submission:

GeneDx
Classification: Uncertain significance. Last evaluated: 2022-09-28. Review status: criteria provided, single submitter. Criteria: GeneDx Variant Classification Process June 2021. Collection method: clinical testing. Allele origin: germline. Affected: yes.
Comment: In silico analysis supports that this missense variant has a deleterious effect on protein structure/function; Has not been previously published as pathogenic or benign to our knowledge

NM_018116.4(MSTO1):c.637G>A (p.Asp213Asn)

Gene: MSTO1 (misato mitochondrial distribution and morphology regulator 1; plus strand). Cytogenetic location: 1q22.
Variant type: single nucleotide variant.
Coding change: c.637G>A on transcript NM_018116.4 (MANE Select); coding-DNA position 637, G replaced by A.
Protein change: p.Asp213Asn; replaces aspartic acid 213 with asparagine.
Molecular consequence: missense variant. On other transcripts: non-coding transcript variant (6).
Genome position (GRCh38, 1-based): chr1:155,612,059, G>A. VCF-style: chr1-155612059-G-A. GRCh37 (hg19) VCF-style: chr1-155581850-G-A.
Other names: c.637G>A, p.Asp213Asn (NM_001256532.1, NM_001256533.1, NM_001350772.1 and 3 more transcripts); c.472G>A, p.Asp158Asn (NM_001350776.1); c.106G>A, p.Asp36Asn (NM_001350777.1, NM_001350778.1, NM_001350779.1); c.103G>A, p.Asp35Asn (NM_001350780.1, NM_001350781.1, NM_001350782.1 and 3 more transcripts); c.94G>A, p.Asp32Asn (NM_001350784.1, NM_001350785.1, NM_001350787.1 and 1 more transcripts); short protein forms D158N, D213N, D32N, D35N, D36N.
Identifiers: ClinVar variation 2446506 (VCV002446506.1), dbSNP rs199622059, ClinGen allele CA1147953.